The following is an entry in ClinVar:

NC_000019.10:g.56027762T>C

Genes: NLRP5 (NLR family pyrin domain containing 5; plus strand), LOC126862935 (BRD4-independent group 4 enhancer GRCh37_chr19:56537936-56539135; plus strand). Cytogenetic location: 19q13.43.
Variant type: single nucleotide variant.
Genome position: GRCh38 VCF-style: chr19-56027762-T-C. GRCh37 (hg19) VCF-style: chr19-56539128-T-C.
Identifiers: ClinVar variation 2571058 (VCV002571058.27), dbSNP rs2514453793, ClinGen allele CA407604254.
Genomic context (GRCh38, chr19:56,027,762, plus strand): 5'-GCGTCGCCCCCTTCAACCAAACGCTCACAGGCCTGCACGCCGCTTTTGTGTTTCATCAGC[T>C]CACCCCTCGAGGCGTGGTCCGGCGCTGTCTCAATCTGGAGGAAAGAGTTGTCCTGAAGCG-3'

ClinVar aggregate classification (germline): Uncertain significance (1 of 4 stars; one submission).

Submission:

CeGaT Center for Human Genetics Tuebingen
Classification: Uncertain significance. Last evaluated: 2023-05-01. Review status: criteria provided, single submitter. Criteria: CeGaT Center For Human Genetics Tuebingen Variant Classification Criteria Version 2. Collection method: clinical testing. Allele origin: germline. Affected: yes. Observed: 1 variant allele.
Comment: NLRP5: PM2, PP4, BP4